The following is an entry in ClinVar:

ClinVar aggregate classification (germline): Uncertain significance (1 of 4 stars; one submission).

Allele frequency attached by ClinVar (database versions not stated): gnomAD exomes below 0.00001.
gnomAD v4.1: 3 of 1,595,130 alleles (0.00019%); highest among the groups gnomAD compares: South Asian, 0.0011%; no homozygotes.

Submission:

Labcorp Genetics (formerly Invitae), Labcorp
Classification: Uncertain significance. Last evaluated: 2023-11-27. Review status: criteria provided, single submitter. Criteria: Invitae Variant Classification Sherloc (09022015). Collection method: clinical testing. Allele origin: germline.
Comment: This sequence change replaces valine, which is neutral and non-polar, with phenylalanine, which is neutral and non-polar, at codon 378 of the YME1L1 protein (p.Val378Phe). This variant is not present in population databases (gnomAD no frequency). This variant has not been reported in the literature in individuals affected with YME1L1-related conditions. An algorithm developed to predict the effect of missense changes on protein structure and function (PolyPhen-2) suggests that this variant is likely to be disruptive. In summary, the available evidence is currently insufficient to determine the role of this variant in disease. Therefore, it has been classified as a Variant of Uncertain Significance.

NM_014263.4(YME1L1):c.961G>T (p.Val321Phe)

Gene: YME1L1 (YME1 like 1 ATPase; minus strand). Cytogenetic location: 10p12.1.
Variant type: single nucleotide variant.
Coding change: c.961G>T on transcript NM_014263.4 (MANE Select); coding-DNA position 961, G replaced by T.
Protein change: p.Val321Phe; replaces valine 321 with phenylalanine.
Molecular consequence: missense variant.
Genome position (GRCh38, 1-based): chr10:27,123,688, C>A on the plus strand (G>T on the coding strand, the complement: YME1L1 is on the minus strand). VCF-style: chr10-27123688-C-A. GRCh37 (hg19) VCF-style: chr10-27412617-C-A.
Other names: c.862G>T, p.Val288Phe (NM_001253866.2); c.1132G>T, p.Val378Phe (NM_139312.3); short protein forms V321F, V378F, V288F.
Identifiers: ClinVar variation 2799266 (VCV002799266.3), dbSNP rs2539426300, ClinGen allele CA376372706.